The following is an entry in ClinVar:

NM_178452.6(DNAAF1):c.115T>G (p.Cys39Gly)

Gene: DNAAF1 (dynein axonemal assembly factor 1; plus strand). Cytogenetic location: 16q24.1.
Variant type: single nucleotide variant.
Coding change: c.115T>G on transcript NM_178452.6 (MANE Select); coding-DNA position 115, T replaced by G.
Protein change: p.Cys39Gly; replaces cysteine 39 with glycine.
Molecular consequence: missense variant.
Genome position (GRCh38, 1-based): chr16:84,145,555, T>G. VCF-style: chr16-84145555-T-G. GRCh37 (hg19) VCF-style: chr16-84179160-T-G.
Other names: short protein forms C39G.
Identifiers: ClinVar variation 4634006 (VCV004634006.1).
Genomic context (GRCh38, chr16:84,145,555, plus strand): 5'-GCGCAGGAGCCCGGCGTGGAGGAGTCTGCGGGTGACCACGGGAGCGCAGGCCGAGGGGGC[T>G]GCAAGGAAGGTGCCGACTGCCCCCCAGGGAGGGCGGTGGGCGAGGGGCAGACACGGCTAG-3'
Protein context (NP_848547.4, residues 29-49): GDHGSAGRGG[Cys39Gly]KEEINDPKEI

ClinVar aggregate classification (germline): Uncertain significance (1 of 4 stars; one submission).

Conditions:
Primary ciliary dyskinesia. Also called: Ciliary dyskinesia. Identifiers: Orphanet 244, MedGen C0008780, MONDO:0016575, HP:0012265.

Submission:

Ambry Genetics
Classification: Uncertain significance for Primary ciliary dyskinesia. Last evaluated: 2025-09-17. Review status: criteria provided, single submitter. Criteria: Ambry Variant Classification Scheme 2023. Collection method: clinical testing. Allele origin: germline.
Comment: The p.C39G variant (also known as c.115T>G), located in coding exon 1 of the DNAAF1 gene, results from a T to G substitution at nucleotide position 115. The cysteine at codon 39 is replaced by glycine, an amino acid with highly dissimilar properties. This amino acid position is conserved. In addition, this alteration is predicted to be tolerated by in silico analysis. Based on the available evidence, the clinical significance of this variant remains unclear.